The following is an entry in ClinVar:

ClinVar aggregate classification (germline): Pathogenic. Review status: criteria provided, multiple submitters, no conflicts (2 of 4 stars). 2 submissions from 2 submitters: Pathogenic (2). Last evaluated 2024-08-08.

Conditions:
Retinoblastoma (RB1). Also called: RETINOBLASTOMA, SOMATIC. Identifiers: Orphanet 790, MedGen C0035335, MeSH D012175, MONDO:0008380, OMIM 180200, HP:0009919. Disease mechanism: loss of function. Inheritance: Both sporadic and heritable forms are tested..

Submissions (2):

Labcorp Genetics (formerly Invitae), Labcorp
Classification: Pathogenic for Retinoblastoma. Last evaluated: 2024-08-08. Review status: criteria provided, single submitter. Criteria: Invitae Variant Classification Sherloc (09022015). Collection method: clinical testing. Allele origin: germline.
Comment: This sequence change affects codon 88 of the RB1 mRNA. It is a 'silent' change, meaning that it does not change the encoded amino acid sequence of the RB1 protein. RNA analysis indicates that this variant induces altered splicing and may result in an absent or altered protein product. This variant is not present in population databases (gnomAD no frequency). This variant has been observed in individual(s) with retinoblastoma (PMID: 15884040, 30636860). This variant is also known as g.5550G>A. Variants that disrupt the consensus splice site are a relatively common cause of aberrant splicing (PMID: 17576681, 9536098). Studies have shown that this variant results in skipping of exon 2, and produces a non-functional protein and/or introduces a premature termination codon (PMID: 30636860). For these reasons, this variant has been classified as Pathogenic.

Genetic Diagnostic Laboratory, University of Pennsylvania School of Medicine
Classification: Pathogenic for Retinoblastoma. Last evaluated: 2024-05-20. Review status: criteria provided, single submitter. Criteria: ACMG Guidelines, 2015. Collection method: clinical testing. Allele origin: germline. Affected: yes. Observed: 2 variant alleles.
Comment: Case and Pedigree Information: BILATERAL CASES:2, UNILATERAL CASES:0, TOTAL CASES:2, PEDIGREES:2. ACMG Codes Applied:PVS1, PM2

Literature cited by the submitters: PubMed 15884040 (cited by Labcorp Genetics (formerly Invitae), Labcorp); PubMed 30636860 (cited by Labcorp Genetics (formerly Invitae), Labcorp); PubMed 17576681 (cited by Labcorp Genetics (formerly Invitae), Labcorp); PubMed 9536098 (cited by Labcorp Genetics (formerly Invitae), Labcorp).

NM_000321.3(RB1):c.264G>A (p.Leu88=)

Gene: RB1 (RB transcriptional corepressor 1; plus strand). Cytogenetic location: 13q14.2.
Variant type: single nucleotide variant.
Coding change: c.264G>A on transcript NM_000321.3 (MANE Select); coding-DNA position 264, G replaced by A.
Protein change: p.Leu88=; no amino-acid change (leucine 88 retained).
Molecular consequence: synonymous variant.
Genome position (GRCh38, 1-based): chr13:48,307,406, G>A. VCF-style: chr13-48307406-G-A. GRCh37 (hg19) VCF-style: chr13-48881542-G-A.
Other names: c.264G>A, p.Leu88= (NM_001407165.1, NM_001407166.1, NM_001407167.1).
Identifiers: ClinVar variation 3237115 (VCV003237115.3), dbSNP rs1952090786.